The following is an entry in ClinVar:

ClinVar aggregate classification (germline): Uncertain significance (1 of 4 stars; one submission).

Conditions:
Peutz-Jeghers syndrome (PJS). Also called: POLYPOSIS, HAMARTOMATOUS INTESTINAL; POLYPS-AND-SPOTS SYNDROME; Peutz-Jeghers polyposis; Periorificial lentiginosis syndrome. Identifiers: Orphanet 2869, MedGen C0031269, MeSH D010580, MONDO:0008280, OMIM 175200.

Submission:

Labcorp Genetics (formerly Invitae), Labcorp
Classification: Uncertain significance for Peutz-Jeghers syndrome. Last evaluated: 2025-09-24. Review status: criteria provided, single submitter. Criteria: Invitae Variant Classification Sherloc (09022015). Collection method: clinical testing. Allele origin: germline.
Comment: This sequence change replaces aspartic acid, which is acidic and polar, with tyrosine, which is neutral and polar, at codon 115 of the STK11 protein (p.Asp115Tyr). This variant is not present in population databases (gnomAD no frequency). This variant has not been reported in the literature in individuals affected with STK11-related conditions. Invitae Evidence Modeling of protein sequence and biophysical properties (such as structural, functional, and spatial information, amino acid conservation, physicochemical variation, residue mobility, and thermodynamic stability) has been performed for this missense variant. However, the output from this modeling did not meet the statistical confidence thresholds required to predict the impact of this variant on STK11 protein function. In summary, the available evidence is currently insufficient to determine the role of this variant in disease. Therefore, it has been classified as a Variant of Uncertain Significance.

NM_000455.5(STK11):c.343G>T (p.Asp115Tyr)

Gene: STK11 (serine/threonine kinase 11; plus strand). Cytogenetic location: 19p13.3.
Variant type: single nucleotide variant.
Coding change: c.343G>T on transcript NM_000455.5 (MANE Select); coding-DNA position 343, G replaced by T.
Protein change: p.Asp115Tyr; replaces aspartic acid 115 with tyrosine.
Molecular consequence: missense variant. On other transcripts: non-coding transcript variant (1).
Genome position (GRCh38, 1-based): chr19:1,218,469, G>T. VCF-style: chr19-1218469-G-T. GRCh37 (hg19) VCF-style: chr19-1218468-G-T.
Other names: c.343G>T, p.Asp115Tyr (NM_001407255.1); short protein forms D115Y.
Identifiers: ClinVar variation 4747127 (VCV004747127.1).